The following is an entry in ClinVar:

NM_000268.4(NF2):c.1432A>G (p.Lys478Glu)

Gene: NF2 (NF2, moesin-ezrin-radixin like (MERLIN) tumor suppressor; plus strand). Cytogenetic location: 22q12.2.
Variant type: single nucleotide variant.
Coding change: c.1432A>G on transcript NM_000268.4 (MANE Select); coding-DNA position 1432, A replaced by G.
Protein change: p.Lys478Glu; replaces lysine 478 with glutamic acid.
Molecular consequence: missense variant. On other transcripts: non-coding transcript variant (1), intron variant (1).
Genome position (GRCh38, 1-based): chr22:29,674,927, A>G. VCF-style: chr22-29674927-A-G. GRCh37 (hg19) VCF-style: chr22-30070916-A-G.
Other names: c.1318A>G, p.Lys440Glu (NM_001407053.1, NM_001407056.1); c.1309A>G, p.Lys437Glu (NM_001407054.1, NM_001407058.1, NM_181829.3); c.1306A>G, p.Lys436Glu (NM_001407055.1, NM_181828.3); c.1297A>G, p.Lys433Glu (NM_001407057.1, NM_001407059.1); c.1432A>G, p.Lys478Glu (NM_001407060.1, NM_001407066.1, NM_016418.5 and 2 more transcripts); c.1174A>G, p.Lys392Glu (NM_001407062.1); c.1183A>G, p.Lys395Glu (NM_001407063.1, NM_001407064.1, NM_181830.3 and 1 more transcripts); c.898A>G, p.Lys300Glu (NM_001407065.1); and 2 more; short protein forms K300E, K392E, K395E, K401E, K433E, K436E, K437E, K440E.
Identifiers: ClinVar variation 3231076 (VCV003231076.1), dbSNP rs2518694079, ClinGen allele CA411149184.

ClinVar aggregate classification (germline): Uncertain significance (1 of 4 stars; one submission).

Conditions:
Hereditary cancer-predisposing syndrome. Also called: Neoplastic Syndromes, Hereditary; Tumor predisposition; Hereditary neoplastic syndrome; Hereditary Cancer Syndrome. Identifiers: Orphanet 140162, MedGen C0027672, MeSH D009386, MONDO:0015356.

Submission:

Ambry Genetics
Classification: Uncertain significance for Hereditary cancer-predisposing syndrome. Last evaluated: 2023-12-18. Review status: criteria provided, single submitter. Criteria: Ambry Variant Classification Scheme 2023. Collection method: clinical testing. Allele origin: germline.
Comment: The p.K478E variant (also known as c.1432A>G), located in coding exon 13 of the NF2 gene, results from an A to G substitution at nucleotide position 1432. The lysine at codon 478 is replaced by glutamic acid, an amino acid with similar properties. This amino acid position is well conserved in available vertebrate species. In addition, the in silico prediction for this alteration is inconclusive. Since supporting evidence is limited at this time, the clinical significance of this alteration remains unclear.